The following is an entry in ClinVar:

NM_001854.4(COL11A1):c.623C>T (p.Thr208Ile)

Gene: COL11A1 (collagen type XI alpha 1 chain; minus strand). Cytogenetic location: 1p21.1.
Variant type: single nucleotide variant.
Coding change: c.623C>T on transcript NM_001854.4 (MANE Select); coding-DNA position 623, C replaced by T.
Protein change: p.Thr208Ile; replaces threonine 208 with isoleucine.
Molecular consequence: missense variant. On other transcripts: non-coding transcript variant (1).
Genome position (GRCh38, 1-based): chr1:103,074,646, G>A on the plus strand (C>T on the coding strand, the complement: COL11A1 is on the minus strand). VCF-style: chr1-103074646-G-A. GRCh37 (hg19) VCF-style: chr1-103540202-G-A.
Other names: c.623C>T, p.Thr208Ile (NM_001168249.1, NM_001190709.2, NM_080629.3 and 1 more transcripts); short protein forms T208I.
Identifiers: ClinVar variation 1723609 (VCV001723609.3), dbSNP rs1671831904, ClinGen allele CA341166196.

ClinVar aggregate classification (germline): Uncertain significance (1 of 4 stars; one submission).

Submission:

GeneDx
Classification: Uncertain significance. Last evaluated: 2026-09-03. Review status: criteria provided, single submitter. Criteria: GeneDx Variant Classification Process June 2021. Collection method: clinical testing. Allele origin: germline.
Comment: Not observed at significant frequency in large population cohorts (gnomAD); In silico analysis supports that this missense variant has a deleterious effect on protein structure/function; Has not been previously published as pathogenic or benign to our knowledge